The following is an entry in ClinVar:

ClinVar aggregate classification (germline): Pathogenic/Likely pathogenic. Review status: criteria provided, multiple submitters, no conflicts (2 of 4 stars). 4 submissions from 4 submitters: Pathogenic (2); Likely pathogenic (1). 1 of the submissions does not count toward it. Last evaluated 2023-12-14.

Conditions:
Neuronal ceroid lipofuscinosis 2. Also called: JANSKY-BIELSCHOWSKY DISEASE NEURONAL CEROID LIPOFUSCINOSIS, LATE INFANTILE; TPP1-Related Neuronal Ceroid-Lipofuscinosis. Identifiers: Orphanet 168491, Orphanet 228349, Orphanet 79264, MedGen C1876161, MONDO:0008769, OMIM 204500.
Neuronal ceroid lipofuscinosis. Also called: Neuronal Ceroid Lipofuscinoses. Identifiers: Orphanet 216, Orphanet 79263, MedGen C0027877, MONDO:0016295. Disease mechanism: loss of function.

Submissions (4):

Labcorp Genetics (formerly Invitae), Labcorp
Classification: Pathogenic. Last evaluated: 2023-12-14. Review status: criteria provided, single submitter. Criteria: Invitae Variant Classification Sherloc (09022015). Collection method: clinical testing. Allele origin: germline.
Comment: This sequence change creates a premature translational stop signal (p.Ser62Glyfs*25) in the TPP1 gene. It is expected to result in an absent or disrupted protein product. Loss-of-function variants in TPP1 are known to be pathogenic (PMID: 10330339). This variant is not present in population databases (gnomAD no frequency). This premature translational stop signal has been observed in individual(s) with neuronal ceroid lipofuscinosis (PMID: 11241479). This variant is also known as 1902delCT. ClinVar contains an entry for this variant (Variation ID: 552025). Algorithms developed to predict the effect of sequence changes on RNA splicing suggest that this variant may disrupt the consensus splice site. For these reasons, this variant has been classified as Pathogenic.

Women's Health and Genetics/Laboratory Corporation of America, LabCorp
Classification: Likely pathogenic for Neuronal ceroid lipofuscinosis. Last evaluated: 2023-01-01. Review status: criteria provided, single submitter. Criteria: LabCorp Variant Classification Summary - May 2015. Collection method: clinical testing. Allele origin: germline.
Comment: Variant summary: TPP1 c.184_185delTC (p.Ser62GlyfsX25) results in a premature termination codon, predicted to cause a truncation of the encoded protein or absence of the protein due to nonsense mediated decay, which are commonly known mechanisms for disease. The variant was absent in 251362 control chromosomes. c.184_185delTC has been reported in the literature in at-least one individual affected with Neuronal Ceroid-Lipofuscinosis (Batten Disease) (example, Lam_2001). To our knowledge, no experimental evidence demonstrating an impact on protein function has been reported. Two clinical diagnostic laboratories have submitted clinical-significance assessments for this variant to ClinVar after 2014 without evidence for independent evaluation. All laboratories classified the variant as pathogenic/likely pathogenic. Based on the evidence outlined above, the variant was classified as likely pathogenic.

Mendelics
Classification: Pathogenic for Neuronal ceroid lipofuscinosis 1. Last evaluated: 2019-05-28. Review status: criteria provided, single submitter. Criteria: Mendelics Assertion Criteria 2017. Collection method: clinical testing. Allele origin: unknown.

Counsyl
Classification: Likely pathogenic for Neuronal ceroid lipofuscinosis 2. Last evaluated: 2017-05-19. Review status: no assertion criteria provided. Collection method: clinical testing. Allele origin: unknown. Not counted in ClinVar's aggregate classification.

Literature cited by the submitters: PubMed 10330339 (cited by Labcorp Genetics (formerly Invitae), Labcorp); PubMed 11241479 (cited by 3 submitters); PubMed 30119717 (cited by Women's Health and Genetics/Laboratory Corporation of America, LabCorp).

NM_000391.4(TPP1):c.184_185del (p.Ser62fs)

Gene: TPP1 (tripeptidyl peptidase 1; minus strand). Cytogenetic location: 11p15.4.
Variant type: Microsatellite.
Coding change: c.184_185del on transcript NM_000391.4 (MANE Select); coding-DNA positions 184 to 185, 2 bases deleted (TC; older notation c.184_185delTC).
Protein change: p.Ser62fs; shifts the reading frame from serine 62.
Molecular consequence: frameshift variant.
Genome position (GRCh38, 1-based): chr11:6,618,820-6,618,821, GA deleted on the plus strand (TC on the coding strand, the reverse complement: TPP1 is on the minus strand); deleting any 2 consecutive bases within chr11:6,618,820-6,618,824 gives the same sequence; the c. name uses the placement nearest the transcript's 3' end. VCF-style (leftmost placement, unchanged base first): chr11-6618819-CGA-C. GRCh37 (hg19) VCF-style: chr11-6640050-CGA-C.
Other names: short protein forms S62fs.
Identifiers: ClinVar variation 552025 (VCV000552025.9), dbSNP rs1554902216, ClinGen allele CA645575506.